The following is an entry in ClinVar:

NM_001348323.3(TRIP12):c.2892C>T (p.Ser964=)

Gene: TRIP12 (thyroid hormone receptor interactor 12; minus strand). Cytogenetic location: 2q36.3.
Variant type: single nucleotide variant.
Coding change: c.2892C>T on transcript NM_001348323.3 (MANE Select); coding-DNA position 2892, C replaced by T.
Protein change: p.Ser964=; no amino-acid change (serine 964 retained).
Molecular consequence: synonymous variant.
Genome position (GRCh38, 1-based): chr2:229,803,677, G>A on the plus strand (C>T on the coding strand, the complement: TRIP12 is on the minus strand). VCF-style: chr2-229803677-G-A. GRCh37 (hg19) VCF-style: chr2-230668393-G-A.
Other names: c.2811C>T, p.Ser937= (NM_001284214.2, NM_001348315.2); c.2766C>T, p.Ser922= (NM_001284215.2, NM_001348316.2, NM_001348317.1 and 1 more transcripts); c.1857C>T, p.Ser619= (NM_001284216.2); c.2892C>T, p.Ser964= (NM_001348319.1, NM_001348320.2, NM_001348322.1 and 4 more transcripts); c.2895C>T, p.Ser965= (NM_001348321.1, NM_001348328.1, NM_001348329.2 and 1 more transcripts); c.2685C>T, p.Ser895= (NM_001348331.1); c.2805C>T, p.Ser935= (NM_001348332.1); c.2814C>T, p.Ser938= (NM_001348333.1); and 1 more.
Identifiers: ClinVar variation 3024933 (VCV003024933.22), dbSNP rs201583434, ClinGen allele CA2152883.

ClinVar aggregate classification (germline): Likely benign (1 of 4 stars; one submission).

Allele frequency attached by ClinVar (database versions not stated): gnomAD exomes 0.00001; ExAC 0.00002; gnomAD 0.00002; TOPMed 0.00002.
gnomAD v4.1: 10 of 1,597,946 alleles (0.00063%); highest among the groups gnomAD compares: Non-Finnish European, 0.00068%; no homozygotes.

Submission:

CeGaT Center for Human Genetics Tuebingen
Classification: Likely benign. Last evaluated: 2023-12-01. Review status: criteria provided, single submitter. Criteria: CeGaT Center For Human Genetics Tuebingen Variant Classification Criteria Version 2. Collection method: clinical testing. Allele origin: germline. Affected: yes. Observed: 1 variant allele.
Comment: TRIP12: BP4